The following is an entry in ClinVar:

NM_001081.4(CUBN):c.1351G>A (p.Val451Ile)

Genes: CUBN (cubilin; minus strand), LOC129390143 (MPRA-validated peak884 silencer; plus strand). Cytogenetic location: 10p13.
Variant type: single nucleotide variant.
Coding change: c.1351G>A on transcript NM_001081.4 (MANE Select); coding-DNA position 1351, G replaced by A.
Protein change: p.Val451Ile; replaces valine 451 with isoleucine.
Molecular consequence: missense variant.
Genome position (GRCh38, 1-based): chr10:17,104,485, C>T on the plus strand (G>A on the coding strand, the complement: CUBN is on the minus strand). VCF-style: chr10-17104485-C-T. GRCh37 (hg19) VCF-style: chr10-17146484-C-T.
Other names: short protein forms V451I.
Identifiers: ClinVar variation 1512099 (VCV001512099.6), dbSNP rs746956601, ClinGen allele CA5425307.

ClinVar aggregate classification (germline): Conflicting classifications of pathogenicity. Review status: criteria provided, conflicting classifications (1 of 4 stars). 3 submissions from 3 submitters: Uncertain significance (2); Likely benign (1). Last evaluated 2024-02-06.

Conditions:
Imerslund-Grasbeck syndrome type 1 (IGS1). Also called: MEGALOBLASTIC ANEMIA, 1; Megaloblastic anemia 1, Finnish type; Imerslund-Gräsbeck syndrome 1. Identifiers: MedGen C4016819, MONDO:0100156, OMIM 261100.
Proteinuria, chronic benign. Identifiers: MedGen C5394384, MONDO:0030042, OMIM 618884.
Imerslund-Grasbeck syndrome. Also called: Megaloblastic anemia due to inborn errors of metabolism; Imerslund-Gräsbeck syndrome; ENTEROCYTE COBALAMIN MALABSORPTION; ENTEROCYTE INTRINSIC FACTOR RECEPTOR, DEFECT OF; PERNICIOUS ANEMIA, JUVENILE, DUE TO SELECTIVE INTESTINAL MALABSORPTION OF VITAMIN B12, WITH PROTEINURIA. Identifiers: Orphanet 35858, MedGen C4551825, MONDO:0009853.

Allele frequency attached by ClinVar (database versions not stated): ExAC 0.00001; gnomAD exomes 0.00001; gnomAD 0.00003.
gnomAD v4.1: 27 of 1,614,002 alleles (0.0017%); highest among the groups gnomAD compares: Non-Finnish European, 0.0019%; no homozygotes.

Submissions (3):

Fulgent Genetics
Classification: Uncertain significance for Imerslund-Grasbeck syndrome type 1; Proteinuria, chronic benign. Last evaluated: 2024-02-06. Review status: criteria provided, single submitter. Criteria: ACMG Guidelines, 2015. Collection method: clinical testing. Allele origin: germline.

Blueprint Genetics
Classification: Likely benign. Last evaluated: 2022-03-27. Review status: criteria provided, single submitter. Criteria: ACMG Guidelines, 2015. Collection method: clinical testing. Allele origin: germline.

Labcorp Genetics (formerly Invitae), Labcorp
Classification: Uncertain significance for Imerslund-Grasbeck syndrome. Last evaluated: 2021-08-04. Review status: criteria provided, single submitter. Criteria: Invitae Variant Classification Sherloc (09022015). Collection method: clinical testing. Allele origin: germline.
Comment: In summary, the available evidence is currently insufficient to determine the role of this variant in disease. Therefore, it has been classified as a Variant of Uncertain Significance. Algorithms developed to predict the effect of missense changes on protein structure and function output the following: SIFT: "Tolerated"; PolyPhen-2: "Benign"; Align-GVGD: "Class C0". The isoleucine amino acid residue is found in multiple mammalian species, which suggests that this missense change does not adversely affect protein function. This variant has not been reported in the literature in individuals affected with CUBN-related conditions. This variant is present in population databases (rs746956601, ExAC 0.002%). This sequence change replaces valine with isoleucine at codon 451 of the CUBN protein (p.Val451Ile). The valine residue is weakly conserved and there is a small physicochemical difference between valine and isoleucine.